The following is an entry in ClinVar:

ClinVar aggregate classification (germline): Uncertain significance (1 of 4 stars; one submission).

gnomAD v4.1: 1 of 1,227,404 alleles (0.000081%); no homozygotes.

Submission:

Labcorp Genetics (formerly Invitae), Labcorp
Classification: Uncertain significance. Last evaluated: 2025-10-28. Review status: criteria provided, single submitter. Criteria: Invitae Variant Classification Sherloc (09022015). Collection method: clinical testing. Allele origin: germline.
Comment: This sequence change replaces alanine, which is neutral and non-polar, with valine, which is neutral and non-polar, at codon 44 of the ARID1A protein (p.Ala44Val). The frequency data for this variant in the population databases is considered unreliable, as metrics indicate insufficient coverage at this position in the gnomAD database. This variant has not been reported in the literature in individuals affected with ARID1A-related conditions. Invitae Evidence Modeling of protein sequence and biophysical properties (such as structural, functional, and spatial information, amino acid conservation, physicochemical variation, residue mobility, and thermodynamic stability) indicates that this missense variant is not expected to disrupt ARID1A protein function with a negative predictive value of 95%. In summary, the available evidence is currently insufficient to determine the role of this variant in disease. Therefore, it has been classified as a Variant of Uncertain Significance.

NM_006015.6(ARID1A):c.131C>T (p.Ala44Val)

Gene: ARID1A (AT-rich interaction domain 1A; plus strand). Cytogenetic location: 1p36.11.
Variant type: single nucleotide variant.
Coding change: c.131C>T on transcript NM_006015.6 (MANE Select); coding-DNA position 131, C replaced by T.
Protein change: p.Ala44Val; replaces alanine 44 with valine.
Molecular consequence: missense variant.
Genome position (GRCh38, 1-based): chr1:26,696,534, C>T. VCF-style: chr1-26696534-C-T. GRCh37 (hg19) VCF-style: chr1-27023025-C-T.
Other names: c.131C>T, p.Ala44Val (NM_139135.4); short protein forms A44V.
Identifiers: ClinVar variation 4799877 (VCV004799877.1).